The following is an entry in ClinVar:

NM_033380.3(COL4A5):c.57T>C (p.Leu19=)

Gene: COL4A5 (collagen type IV alpha 5 chain; plus strand). Cytogenetic location: Xq22.3.
Variant type: single nucleotide variant.
Coding change: c.57T>C on transcript NM_033380.3 (MANE Select); coding-DNA position 57, T replaced by C.
Protein change: p.Leu19=; no amino-acid change (leucine 19 retained).
Molecular consequence: synonymous variant.
Genome position (GRCh38, 1-based): chrX:108,440,182, T>C. VCF-style: chrX-108440182-T-C. GRCh37 (hg19) VCF-style: chrX-107683412-T-C.
Other names: c.57T>C (NM_000495.4); c.57T>C, p.Leu19= (NM_000495.5).
Identifiers: ClinVar variation 1086073 (VCV001086073.11), dbSNP rs766114864, ClinGen allele CA10488343.

ClinVar aggregate classification (germline): Likely benign. Review status: criteria provided, single submitter (1 of 4 stars). 2 submissions from 2 submitters: Likely benign (1). 1 of the submissions does not count toward it. Last evaluated 2024-10-10.

Conditions:
COL4A5-related disorder. Also called: COL4A5-related condition.

Allele frequency attached by ClinVar (database versions not stated): TOPMed 0.00001; gnomAD 0.00002; gnomAD exomes 0.00004 and 0.00005; ExAC 0.00005.
gnomAD v4.1: 57 of 1,202,630 alleles (0.0047%); highest among the groups gnomAD compares: Non-Finnish European, 0.0061%; no homozygotes.

Submissions (2):

Labcorp Genetics (formerly Invitae), Labcorp
Classification: Likely benign. Last evaluated: 2024-10-10. Review status: criteria provided, single submitter. Criteria: Invitae Variant Classification Sherloc (09022015). Collection method: clinical testing. Allele origin: germline.

PreventionGenetics, part of Exact Sciences
Classification: Likely benign for COL4A5-related condition. Last evaluated: 2020-03-18. Review status: no assertion criteria provided. Collection method: clinical testing. Allele origin: germline. Not counted in ClinVar's aggregate classification.
Comment: This variant is classified as likely benign based on ACMG/AMP sequence variant interpretation guidelines (Richards et al. 2015 PMID: 25741868, with internal and published modifications).